The following is an entry in ClinVar:

ClinVar aggregate classification (germline): Pathogenic (1 of 4 stars; one submission).

Submission:

Labcorp Genetics (formerly Invitae), Labcorp
Classification: Pathogenic. Last evaluated: 2024-08-20. Review status: criteria provided, single submitter. Criteria: Invitae Variant Classification Sherloc (09022015). Collection method: clinical testing. Allele origin: germline.
Comment: This sequence change creates a premature translational stop signal (p.Arg18Glufs*9) in the TTC37 gene. It is expected to result in an absent or disrupted protein product. Loss-of-function variants in TTC37 are known to be pathogenic (PMID: 20176027, 21120949). This variant is not present in population databases (gnomAD no frequency). This premature translational stop signal has been observed in individual(s) with Tricho-Hepato-Enteric Syndrome (PMID: 29527791). For these reasons, this variant has been classified as Pathogenic.

Literature cited by the submitters: PubMed 20176027; PubMed 21120949; PubMed 29527791.

NM_014639.4(SKIC3):c.52del (p.Arg18fs)

Gene: SKIC3 (SKI3 subunit of superkiller complex; minus strand). Cytogenetic location: 5q15.
Variant type: Deletion.
Coding change: c.52del on transcript NM_014639.4 (MANE Select); coding-DNA position 52, one base deleted (A; older notation c.52delA).
Protein change: p.Arg18fs; shifts the reading frame from arginine 18.
Molecular consequence: frameshift variant.
Genome position (GRCh38, 1-based): chr5:95,547,099, T deleted on the plus strand (A on the coding strand, the reverse complement: SKIC3 is on the minus strand). VCF-style (leftmost placement, unchanged base first): chr5-95547098-CT-C. GRCh37 (hg19) VCF-style: chr5-94882802-CT-C.
Other names: short protein forms R18fs.
Identifiers: ClinVar variation 3704389 (VCV003704389.2).
Genomic context (GRCh38, chr5:95,547,098, plus strand): 5'-TGGAAGAAAAAAATACTGGTTACCTTACAGTGTTTCAAAGCTTCTTTGTATTCTTTGTTT[CT>C]GATTGCATCTCTAGCACTTTTTAGAGCAGTCTTCACTTCCTTGCTGGACATTCTGTCAAG-3'